The following is an entry in ClinVar:

ClinVar aggregate classification (germline): Conflicting classifications of pathogenicity. Review status: criteria provided, conflicting classifications (1 of 4 stars). 4 submissions from 4 submitters: Uncertain significance (2); Benign (1); Likely benign (1). Last evaluated 2026-01-19.

Conditions:
Exostoses, multiple, type 1 (EXT1). Also called: Hereditary Multiple Osteochondromatosis, Type I; EXOSTOSES, MULTIPLE, TYPE I. Identifiers: MedGen CN263289, MONDO:0007585, OMIM 133700.
Multiple congenital exostosis (EXT). Also called: Hereditary multiple osteochondromas; MULTIPLE CARTILAGINOUS EXOSTOSES; Multiple exostoses; Multiple osteochondromas; Hereditary multiple exostoses; Hereditary multiple exostosis. Identifiers: Orphanet 321, MedGen C0015306, MONDO:0005508, HP:0002762.

Allele frequency attached by ClinVar (database versions not stated): gnomAD exomes 0.00002 and 0.00004; ExAC 0.00006; gnomAD 0.00013 and 0.00014; 1000 Genomes Project 30x 0.00016; TOPMed 0.00016; 1000 Genomes Project 0.00020.
gnomAD v4.1: 48 of 1,614,192 alleles (0.003%); highest among the groups gnomAD compares: African/African-American, 0.052%; no homozygotes.

Submissions (4):

Women's Health and Genetics/Laboratory Corporation of America, LabCorp
Classification: Uncertain significance. Last evaluated: 2026-01-19. Review status: criteria provided, single submitter. Criteria: LabCorp Variant Classification Summary - May 2015. Collection method: clinical testing. Allele origin: germline.
Comment: Variant summary: EXT1 c.1749G>C (p.Gln583His) results in a non-conservative amino acid change in the encoded protein sequence. Algorithms developed to predict the effect of missense changes on protein structure and function all suggest that this variant is likely to be disruptive. The variant allele was found at a frequency of 3.6e-05 in 251418 control chromosomes. The available data on variant occurrences in the general population are insufficient to allow any conclusion about variant significance. To our knowledge, no occurrence of c.1749G>C in individuals affected with EXT1-related conditions and no experimental evidence demonstrating its impact on protein function have been reported. ClinVar contains an entry for this variant (Variation ID: 908080). Based on the evidence outlined above, the variant was classified as uncertain significance.

Labcorp Genetics (formerly Invitae), Labcorp
Classification: Benign for Multiple congenital exostosis. Last evaluated: 2025-10-01. Review status: criteria provided, single submitter. Criteria: Invitae Variant Classification Sherloc (09022015). Collection method: clinical testing. Allele origin: germline.

St. Jude Molecular Pathology, St. Jude Children's Research Hospital
Classification: Uncertain significance for Exostoses, multiple, type 1. Last evaluated: 2025-06-17. Review status: criteria provided, single submitter. Criteria: St. Jude Assertion Criteria 2020. Collection method: clinical testing. Allele origin: germline.
Comment: The EXT1 c.1749G>C p.(Gln583His) missense change has a maximum subpopulation frequency of 0.06% in gnomAD v2.1.1. The in silico tool REVEL is inconclusive about a pathogenic or benign effect of this variant on protein function, and to our knowledge functional studies have not been performed. To our knowledge, this variant has not been reported in individuals with hereditary multiple exostoses. In summary, the evidence currently available is insufficient to determine the clinical significance of this variant. It has therefore been classified as of uncertain significance.

Illumina Laboratory Services, Illumina
Classification: Likely benign for Exostoses, multiple, type 1. Last evaluated: 2018-01-13. Review status: criteria provided, single submitter. Criteria: ICSL Variant Classification Criteria 13 December 2019. Collection method: clinical testing. Allele origin: germline.
Comment: This variant was observed in the ICSL laboratory as part of a predisposition screen in an ostensibly healthy population. It had not been previously curated by ICSL or reported in the Human Gene Mutation Database (HGMD: prior to June 1st, 2018), and was therefore a candidate for classification through an automated scoring system. Utilizing variant allele frequency, disease prevalence and penetrance estimates, and inheritance mode, an automated score was calculated to assess if this variant is too frequent to cause the disease. Based on the score and internal cut-off values, a variant classified as likely benign is not then subjected to further curation. The score for this variant resulted in a classification of likely benign for this disease.

NM_000127.3(EXT1):c.1749G>C (p.Gln583His)

Gene: EXT1 (exostosin glycosyltransferase 1; minus strand). Cytogenetic location: 8q24.11.
Variant type: single nucleotide variant.
Coding change: c.1749G>C on transcript NM_000127.3 (MANE Select); coding-DNA position 1749, G replaced by C.
Protein change: p.Gln583His; replaces glutamine 583 with histidine.
Molecular consequence: missense variant.
Genome position (GRCh38, 1-based): chr8:117,807,351, C>G on the plus strand (G>C on the coding strand, the complement: EXT1 is on the minus strand). VCF-style: chr8-117807351-C-G. GRCh37 (hg19) VCF-style: chr8-118819590-C-G.
Other names: short protein forms Q583H.
Identifiers: ClinVar variation 908080 (VCV000908080.14), dbSNP rs575895733, ClinGen allele CA4854018.